The following is an entry in ClinVar:

ClinVar aggregate classification (germline): Uncertain significance (1 of 4 stars; one submission).

Conditions:
Dyskeratosis congenita, autosomal dominant 1 (DKCA1). Also called: Dyskeratosis congenita Scoggins type. Identifiers: Orphanet 1775, MedGen C4551974, MONDO:0007485, OMIM 127550. Inheritance: Variable.

Allele frequency attached by ClinVar (database versions not stated): gnomAD exomes below 0.00001.
gnomAD v4.1: 3 of 765,154 alleles (0.00039%); highest among the groups gnomAD compares: Non-Finnish European, 0.00048%; no homozygotes.

Submission:

Labcorp Genetics (formerly Invitae), Labcorp
Classification: Uncertain significance for Dyskeratosis congenita, autosomal dominant 1. Last evaluated: 2021-10-26. Review status: criteria provided, single submitter. Criteria: Invitae Variant Classification Sherloc (09022015). Collection method: clinical testing. Allele origin: germline.
Comment: This variant has not been reported in the literature in individuals affected with TERC-related conditions. This variant occurs in the TERC gene, which encodes an RNA molecule that does not result in a protein product. This variant is not present in population databases (gnomAD no frequency). ClinVar contains an entry for this variant (Variation ID: 853075). This variant is located within the template/pseudoknot domain of the TERC RNA component, which is required for RNA or RNP stability (PMID: 15082312, 21844345). This variant is located in a region of TERC in which a significant number of disease causing variants have been reported (PMID: 15082312, 21844345, 21931702). These observations suggest that this may be a clinically significant region. In summary, the available evidence is currently insufficient to determine the role of this variant in disease. Therefore, it has been classified as a Variant of Uncertain Significance.

Literature cited by the submitters: PubMed 15082312; PubMed 21844345; PubMed 21931702.

NC_000003.12:g.169764909G>A

Genes: TERC (telomerase RNA component; minus strand), LOC110806306 (telomerase RNA component (TERC) promoter; plus strand). Cytogenetic location: 3q26.2.
Variant type: single nucleotide variant.
Genome position: GRCh38 VCF-style: chr3-169764909-G-A. GRCh37 (hg19) VCF-style: chr3-169482697-G-A.
Identifiers: ClinVar variation 853075 (VCV000853075.8), dbSNP rs1777962509, ClinGen allele CA436715614.